The following is an entry in ClinVar:

NM_133433.4(NIPBL):c.1253_1254insTGA (p.Gln418delinsHisGlu)

Gene: NIPBL (NIPBL cohesin loading factor; plus strand). Cytogenetic location: 5p13.2.
Variant type: Insertion.
Coding change: c.1253_1254insTGA on transcript NM_133433.4 (MANE Select); coding-DNA positions 1253 to 1254, TGA inserted.
Protein change: p.Gln418delinsHisGlu.
Molecular consequence: inframe indel.
Genome position: GRCh38 VCF-style: chr5-36976159-C-CATG. GRCh37 (hg19) VCF-style: chr5-36976261-C-CATG.
Other names: c.1253_1254insTGA, p.Gln418delinsHisGlu (NM_015384.5).
Identifiers: ClinVar variation 3689317 (VCV003689317.2).

ClinVar aggregate classification (germline): Uncertain significance (1 of 4 stars; one submission).

Conditions:
Cornelia de Lange syndrome 1 (CDLS1). Also called: TYPUS DEGENERATIVUS AMSTELODAMENSIS; Brachmann de Lange syndrome; NIPBL-Related Cornelia de Lange Syndrome. Identifiers: Orphanet 199, MedGen C4551851, MONDO:0007387, OMIM 122470.

Submission:

Labcorp Genetics (formerly Invitae), Labcorp
Classification: Uncertain significance for Cornelia de Lange syndrome 1. Last evaluated: 2024-07-19. Review status: criteria provided, single submitter. Criteria: Invitae Variant Classification Sherloc (09022015). Collection method: clinical testing. Allele origin: germline.
Comment: This variant, c.1253_1254insTGA, is a complex sequence change that results in the deletion of 1 and insertion of 2 amino acid(s) in the NIPBL protein (p.Gln418delinsHisGlu). This variant is present in population databases (no rsID available, gnomAD 0.0009%). This variant has not been reported in the literature in individuals affected with NIPBL-related conditions. Experimental studies and prediction algorithms are not available or were not evaluated, and the functional significance of this variant is currently unknown. In summary, the available evidence is currently insufficient to determine the role of this variant in disease. Therefore, it has been classified as a Variant of Uncertain Significance.